The following is an entry in ClinVar:

ClinVar aggregate classification (germline): Uncertain significance (1 of 4 stars; one submission).

Conditions:
Cardiovascular phenotype. Identifiers: MedGen CN230736.

Allele frequency attached by ClinVar (database versions not stated): gnomAD exomes below 0.00001; gnomAD 0.00001; TOPMed 0.00002.

Submission:

Ambry Genetics
Classification: Uncertain significance for Cardiovascular phenotype. Last evaluated: 2021-10-11. Review status: criteria provided, single submitter. Criteria: Ambry Variant Classification Scheme 2023. Collection method: clinical testing. Allele origin: germline.
Comment: The p.R201Q variant (also known as c.602G>A), located in coding exon 1 of the GATA4 gene, results from a G to A substitution at nucleotide position 602. The arginine at codon 201 is replaced by glutamine, an amino acid with highly similar properties. This amino acid position is conserved. In addition, the in silico prediction for this alteration is inconclusive. Since supporting evidence is limited at this time, the clinical significance of this alteration remains unclear.

NM_001308093.3(GATA4):c.602G>A (p.Arg201Gln)

Gene: GATA4 (GATA binding protein 4). Cytogenetic location: 8p23.1.
Variant type: single nucleotide variant.
Coding change: c.602G>A on transcript NM_001308093.3 (MANE Select); coding-DNA position 602, G replaced by A.
Protein change: p.Arg201Gln; replaces arginine 201 with glutamine.
Molecular consequence: missense variant. On other transcripts: intron variant (3).
Genome position (GRCh38, 1-based): chr8:11,708,914, G>A. VCF-style: chr8-11708914-G-A. GRCh37 (hg19) VCF-style: chr8-11566423-G-A.
Other names: c.602G>A, p.Arg201Gln (NM_002052.5); c.-6+8136G>A (NM_001308094.2); c.-3+900G>A (NM_001374274.1); c.-3+4610G>A (NM_001374273.1); short protein forms R201Q.
Identifiers: ClinVar variation 1751174 (VCV001751174.2), dbSNP rs922049276, ClinGen allele CA172075070.